The following is an entry in ClinVar:

NM_005751.5(AKAP9):c.3533G>A (p.Gly1178Asp)

Gene: AKAP9 (A-kinase anchoring protein 9; plus strand). Cytogenetic location: 7q21.2.
Variant type: single nucleotide variant.
Coding change: c.3533G>A on transcript NM_005751.5 (MANE Select); coding-DNA position 3533, G replaced by A.
Protein change: p.Gly1178Asp; replaces glycine 1178 with aspartic acid.
Molecular consequence: missense variant.
Genome position (GRCh38, 1-based): chr7:92,014,249, G>A. VCF-style: chr7-92014249-G-A. GRCh37 (hg19) VCF-style: chr7-91643563-G-A.
Other names: c.3533G>A, p.Gly1178Asp (NM_147185.3); short protein forms G1178D.
Identifiers: ClinVar variation 3225043 (VCV003225043.3), dbSNP rs148905984, ClinGen allele CA368126292.
Genomic context (GRCh38, chr7:92,014,249, plus strand): 5'-TATGATCATAGTTCTTAAGTATGTAAATTGAATTTCTTAATCCATTATCTGTTCTATTAG[G>A]TGATGAAGGAAAGCCTTTACATCTGCTCATTGGAAAACTTCAAAAGGCAGTGTCTGAAGA-3'
Protein context (NP_005742.4, residues 1168-1188): ELQTMKTQET[Gly1178Asp]DEGKPLHLLI

ClinVar aggregate classification (germline): Uncertain significance. Review status: criteria provided, multiple submitters, no conflicts (2 of 4 stars). 2 submissions from 2 submitters: Uncertain significance (2). Last evaluated 2025-05-11.

Conditions:
Cardiovascular phenotype. Identifiers: MedGen CN230736.
Long QT syndrome (LQTS). Identifiers: MedGen C0023976, MeSH D008133, MONDO:0002442. Disease mechanism: loss of function. Inheritance: Various modes of inheritance.

Allele frequency attached by ClinVar (database versions not stated): gnomAD exomes below 0.00001; gnomAD 0.00001.
gnomAD v4.1: 7 of 1,601,048 alleles (0.00044%); highest among the groups gnomAD compares: African/African-American, 0.0013%; no homozygotes.

Submissions (2):

Labcorp Genetics (formerly Invitae), Labcorp
Classification: Uncertain significance for Long QT syndrome. Last evaluated: 2025-05-11. Review status: criteria provided, single submitter. Criteria: Invitae Variant Classification Sherloc (09022015). Collection method: clinical testing. Allele origin: germline.
Comment: This sequence change replaces glycine, which is neutral and non-polar, with aspartic acid, which is acidic and polar, at codon 1178 of the AKAP9 protein (p.Gly1178Asp). This variant is present in population databases (no rsID available, gnomAD 0.007%). This variant has not been reported in the literature in individuals affected with AKAP9-related conditions. ClinVar contains an entry for this variant (Variation ID: 3225043). An algorithm developed to predict the effect of missense changes on protein structure and function outputs the following: PolyPhen-2: "Benign". The aspartic acid amino acid residue is found in multiple mammalian species, which suggests that this missense change does not adversely affect protein function. Algorithms developed to predict the effect of sequence changes on RNA splicing suggest that this variant may disrupt the consensus splice site. In summary, the available evidence is currently insufficient to determine the role of this variant in disease. Therefore, it has been classified as a Variant of Uncertain Significance.

Ambry Genetics
Classification: Uncertain significance for Cardiovascular phenotype. Last evaluated: 2025-04-01. Review status: criteria provided, single submitter. Criteria: Ambry Variant Classification Scheme 2023. Collection method: clinical testing. Allele origin: germline.